The following is an entry in ClinVar:

NM_182914.3(SYNE2):c.15556_15557delinsAC (p.Leu5186Thr)

Gene: SYNE2 (spectrin repeat containing nuclear envelope protein 2; plus strand). Cytogenetic location: 14q23.2.
Variant type: Indel.
Coding change: c.15556_15557delinsAC on transcript NM_182914.3 (MANE Select); coding-DNA positions 15556 to 15557, CT replaced by AC.
Protein change: p.Leu5186Thr; replaces leucine 5186 with threonine.
Molecular consequence: missense variant.
Genome position (GRCh38, 1-based): chr14:64,146,140-64,146,141, CT replaced by AC. VCF-style: chr14-64146140-CT-AC. GRCh37 (hg19) VCF-style: chr14-64612858-CT-AC.
Other names: c.15556_15557delinsAC, p.Leu5186Thr (NM_015180.6); short protein forms L5186T.
Identifiers: ClinVar variation 1445110 (VCV001445110.8), dbSNP rs2153697219, ClinGen allele CA2573150017.

ClinVar aggregate classification (germline): Uncertain significance (1 of 4 stars; one submission).

Conditions:
Emery-Dreifuss muscular dystrophy 5, autosomal dominant (EDMD5). Also called: EMERY-DREIFUSS MUSCULAR DYSTROPHY 5. Identifiers: Orphanet 261, MedGen C2751805, MONDO:0013072, OMIM 612999.

Submission:

Labcorp Genetics (formerly Invitae), Labcorp
Classification: Uncertain significance for Emery-Dreifuss muscular dystrophy 5, autosomal dominant. Last evaluated: 2024-04-16. Review status: criteria provided, single submitter. Criteria: Invitae Variant Classification Sherloc (09022015). Collection method: clinical testing. Allele origin: germline.
Comment: This sequence change replaces leucine, which is neutral and non-polar, with threonine, which is neutral and polar, at codon 5186 of the SYNE2 protein (p.Leu5186Thr). This variant is present in population databases (no rsID available, gnomAD 0.004%). This variant has not been reported in the literature in individuals affected with SYNE2-related conditions. ClinVar contains an entry for this variant (Variation ID: 1445110). An algorithm developed to predict the effect of missense changes on protein structure and function (PolyPhen-2) suggests that this variant is likely to be disruptive. In summary, the available evidence is currently insufficient to determine the role of this variant in disease. Therefore, it has been classified as a Variant of Uncertain Significance.